The following is an entry in ClinVar:

ClinVar aggregate classification (germline): Likely benign (1 of 4 stars; one submission).

Allele frequency attached by ClinVar (database versions not stated): TOPMed 0.00002; ExAC 0.00006; 1000 Genomes Project 0.00020; 1000 Genomes Project 30x 0.00031.
gnomAD v4.1: 18 of 1,605,120 alleles (0.0011%); highest among the groups gnomAD compares: Admixed American, 0.025%; no homozygotes.

Submission:

CeGaT Center for Human Genetics Tuebingen
Classification: Likely benign. Last evaluated: 2022-10-01. Review status: criteria provided, single submitter. Criteria: CeGaT Center For Human Genetics Tuebingen Variant Classification Criteria Version 2. Collection method: clinical testing. Allele origin: germline. Affected: yes. Observed: 1 variant allele.
Comment: LEMD2: BP4, BP7

NM_181336.4(LEMD2):c.864G>A (p.Glu288=)

Gene: LEMD2 (LEM domain nuclear envelope protein 2; minus strand). Cytogenetic location: 6p21.31.
Variant type: single nucleotide variant.
Coding change: c.864G>A on transcript NM_181336.4 (MANE Select); coding-DNA position 864, G replaced by A.
Protein change: p.Glu288=; no amino-acid change (glutamic acid 288 retained).
Molecular consequence: synonymous variant. On other transcripts: 5 prime UTR variant (2).
Genome position (GRCh38, 1-based): chr6:33,781,143, C>T on the plus strand (G>A on the coding strand, the complement: LEMD2 is on the minus strand). VCF-style: chr6-33781143-C-T. GRCh37 (hg19) VCF-style: chr6-33748920-C-T.
Other names: c.-43G>A (NM_001143944.1, NM_001348709.2); c.465G>A, p.Glu155= (NM_001348710.2).
Identifiers: ClinVar variation 1879659 (VCV001879659.29), dbSNP rs200661472, ClinGen allele CA3763198.